The following is an entry in ClinVar:

ClinVar aggregate classification (germline): Uncertain significance (1 of 4 stars; one submission).

Conditions:
Hereditary cancer-predisposing syndrome. Also called: Hereditary Cancer Syndrome; Hereditary neoplastic syndrome; Neoplastic Syndromes, Hereditary; Tumor predisposition. Identifiers: Orphanet 140162, MedGen C0027672, MeSH D009386, MONDO:0015356.

Submission:

Ambry Genetics
Classification: Uncertain significance for Hereditary cancer-predisposing syndrome. Last evaluated: 2022-10-31. Review status: criteria provided, single submitter. Criteria: Ambry Variant Classification Scheme 2023. Collection method: clinical testing. Allele origin: germline.
Comment: The p.S1857P variant (also known as c.5569T>C), located in coding exon 15 of the APC gene, results from a T to C substitution at nucleotide position 5569. The serine at codon 1857 is replaced by proline, an amino acid with similar properties. This amino acid position is conserved. In addition, in silico predictors for this gene do not accurately predict pathogenicity. Since supporting evidence is limited at this time, the clinical significance of this alteration remains unclear.

NM_000038.6(APC):c.5569T>C (p.Ser1857Pro)

Gene: APC (APC regulator of Wnt signaling pathway; plus strand). Cytogenetic location: 5q22.2.
Variant type: single nucleotide variant.
Coding change: c.5569T>C on transcript NM_000038.6 (MANE Select); coding-DNA position 5569, T replaced by C.
Protein change: p.Ser1857Pro; replaces serine 1857 with proline.
Molecular consequence: missense variant.
Genome position (GRCh38, 1-based): chr5:112,841,163, T>C. VCF-style: chr5-112841163-T-C. GRCh37 (hg19) VCF-style: chr5-112176860-T-C.
Other names: c.5569T>C, p.Ser1857Pro (NM_001127510.3, NM_001354895.2, NM_001407450.1); c.5515T>C, p.Ser1839Pro (NM_001127511.3); c.5623T>C, p.Ser1875Pro (NM_001354896.2, NM_001407447.1, NM_001407448.1 and 1 more transcripts); c.5599T>C, p.Ser1867Pro (NM_001354897.2); c.5494T>C, p.Ser1832Pro (NM_001354898.2); c.5485T>C, p.Ser1829Pro (NM_001354899.2); c.5446T>C, p.Ser1816Pro (NM_001354900.2); c.5392T>C, p.Ser1798Pro (NM_001354901.2, NM_001407453.1); and 11 more; short protein forms S1756P, S1829P, S1839P, S1867P, S1885P, S1574P, S1697P, S1731P.
Identifiers: ClinVar variation 1748342 (VCV001748342.3), dbSNP rs2149943474, ClinGen allele CA16033519.